The following is an entry in ClinVar:

NM_001286.5(CLCN6):c.2095C>G (p.Pro699Ala)

Gene: CLCN6 (chloride voltage-gated channel 6; plus strand). Cytogenetic location: 1p36.22.
Variant type: single nucleotide variant.
Coding change: c.2095C>G on transcript NM_001286.5 (MANE Select); coding-DNA position 2095, C replaced by G.
Protein change: p.Pro699Ala; replaces proline 699 with alanine.
Molecular consequence: missense variant. On other transcripts: non-coding transcript variant (1).
Genome position (GRCh38, 1-based): chr1:11,837,113, C>G. VCF-style: chr1-11837113-C-G. GRCh37 (hg19) VCF-style: chr1-11897170-C-G.
Other names: c.2029C>G, p.Pro677Ala (NM_001256959.2); short protein forms P699A, P677A.
Identifiers: ClinVar variation 3684151 (VCV003684151.2).

ClinVar aggregate classification (germline): Uncertain significance (1 of 4 stars; one submission).

Submission:

Labcorp Genetics (formerly Invitae), Labcorp
Classification: Uncertain significance. Last evaluated: 2024-02-07. Review status: criteria provided, single submitter. Criteria: Invitae Variant Classification Sherloc (09022015). Collection method: clinical testing. Allele origin: germline.
Comment: This sequence change replaces proline, which is neutral and non-polar, with alanine, which is neutral and non-polar, at codon 699 of the CLCN6 protein (p.Pro699Ala). This variant is present in population databases (rs768477863, gnomAD 0.008%). This variant has not been reported in the literature in individuals affected with CLCN6-related conditions. An algorithm developed to predict the effect of missense changes on protein structure and function (PolyPhen-2) suggests that this variant is likely to be tolerated. In summary, the available evidence is currently insufficient to determine the role of this variant in disease. Therefore, it has been classified as a Variant of Uncertain Significance.